The following is an entry in ClinVar:

ClinVar aggregate classification (germline): Uncertain significance (1 of 4 stars; one submission).

Conditions:
Norman-Roberts syndrome (LIS2). Also called: Lissencephaly 2 (Norman-Roberts type). Identifiers: Orphanet 89844, MedGen C0796089, MONDO:0009760, OMIM 257320.
Familial temporal lobe epilepsy 7. Identifiers: Orphanet 101046, MedGen C4225327, MONDO:0014639, OMIM 616436.

Submission:

Labcorp Genetics (formerly Invitae), Labcorp
Classification: Uncertain significance for Familial temporal lobe epilepsy 7; Norman-Roberts syndrome. Last evaluated: 2022-03-19. Review status: criteria provided, single submitter. Criteria: Invitae Variant Classification Sherloc (09022015). Collection method: clinical testing. Allele origin: germline.
Comment: Algorithms developed to predict the effect of missense changes on protein structure and function are either unavailable or do not agree on the potential impact of this missense change (SIFT: "Deleterious"; PolyPhen-2: "Possibly Damaging"; Align-GVGD: "Class C0"). In summary, the available evidence is currently insufficient to determine the role of this variant in disease. Therefore, it has been classified as a Variant of Uncertain Significance. This sequence change replaces glutamine, which is neutral and polar, with histidine, which is basic and polar, at codon 3205 of the RELN protein (p.Gln3205His). This variant is not present in population databases (gnomAD no frequency). This variant has not been reported in the literature in individuals affected with RELN-related conditions.

NM_005045.4(RELN):c.9615G>T (p.Gln3205His)

Genes: RELN (reelin; minus strand), SLC26A5-AS1 (SLC26A5 antisense RNA 1; plus strand), LOC126860130 (BRD4-independent group 4 enhancer GRCh37_chr7:103130126-103131325; plus strand). Cytogenetic location: 7q22.1.
Variant type: single nucleotide variant.
Coding change: c.9615G>T on transcript NM_005045.4 (MANE Select); coding-DNA position 9615, G replaced by T.
Protein change: p.Gln3205His; replaces glutamine 3205 with histidine.
Molecular consequence: missense variant.
Genome position (GRCh38, 1-based): chr7:103,489,890, C>A on the plus strand (G>T on the coding strand, the complement: RELN is on the minus strand). VCF-style: chr7-103489890-C-A. GRCh37 (hg19) VCF-style: chr7-103130337-C-A.
Other names: c.9615G>T, p.Gln3205His (NM_173054.3); short protein forms Q3205H.
Identifiers: ClinVar variation 1382885 (VCV001382885.6), dbSNP rs2116999262, ClinGen allele CA368744310.